The following is an entry in ClinVar:

ClinVar aggregate classification (germline): Likely pathogenic (1 of 4 stars; one submission).

Conditions:
Ullrich congenital muscular dystrophy 2 (UCMD2). Identifiers: Orphanet 75840, MedGen C4225314, MONDO:0014654, OMIM 616470.
Bethlem myopathy 2 (BTHLM2). Identifiers: Orphanet 536516, Orphanet 610, MedGen C4225313, MONDO:0034022, OMIM 616471.

Submissions (2):

Labcorp Genetics (formerly Invitae), Labcorp
Classification: Likely pathogenic for Bethlem myopathy 2; Ullrich congenital muscular dystrophy 2. Last evaluated: 2019-05-13. Review status: criteria provided, single submitter. Criteria: Invitae Variant Classification Sherloc (09022015). Collection method: clinical testing. Allele origin: germline.
Comment: In summary, the currently available evidence indicates that the variant is pathogenic, but additional data are needed to prove that conclusively. Therefore, this variant has been classified as Likely Pathogenic. Donor and acceptor splice site variants typically lead to a loss of protein function (PMID: 16199547), and loss-of-function variants in COL12A1 are known to be pathogenic (PMID: 24334604, 28973083). This variant has not been reported in the literature in individuals with COL12A1-related conditions. This variant is not present in population databases (ExAC no frequency). This sequence change affects an acceptor splice site in intron 53 of the COL12A1 gene. It is expected to disrupt RNA splicing and likely results in an absent or disrupted protein product.

Dr. Peter K. Rogan Lab, Western University
No classification provided (evidence only). Condition: Ovarian serous cystadenocarcinoma. Review status: no classification provided. Collection method: in vitro. Allele origin: not applicable. Functional consequence: retained intron. Not counted in ClinVar's aggregate classification.

Literature cited by the submitters: PubMed 16199547 (cited by Labcorp Genetics (formerly Invitae), Labcorp); PubMed 24334604 (cited by Labcorp Genetics (formerly Invitae), Labcorp); PubMed 28973083 (cited by Labcorp Genetics (formerly Invitae), Labcorp).

NM_004370.6(COL12A1):c.8179-2A>G

Gene: COL12A1 (collagen type XII alpha 1 chain; minus strand). Cytogenetic location: 6q13.
Variant type: single nucleotide variant.
Coding change: c.8179-2A>G on transcript NM_004370.6 (MANE Select); the canonical splice acceptor site of the intron before coding-DNA position 8179, A replaced by G.
Molecular consequence: splice acceptor variant.
Genome position (GRCh38, 1-based): chr6:75,105,294, T>C on the plus strand (A>G on the coding strand, the complement: COL12A1 is on the minus strand). VCF-style: chr6-75105294-T-C. GRCh37 (hg19) VCF-style: chr6-75815010-T-C.
Other names: c.4687-2A>G (NM_080645.3).
Identifiers: ClinVar variation 851983 (VCV000851983.9), dbSNP rs1768495540, ClinGen allele CA364740808.